The following is an entry in ClinVar:

NM_002471.4(MYH6):c.902T>C (p.Met301Thr)

Gene: MYH6 (myosin heavy chain 6; minus strand). Cytogenetic location: 14q11.2.
Variant type: single nucleotide variant.
Coding change: c.902T>C on transcript NM_002471.4 (MANE Select); coding-DNA position 902, T replaced by C.
Protein change: p.Met301Thr; replaces methionine 301 with threonine.
Molecular consequence: missense variant.
Genome position (GRCh38, 1-based): chr14:23,402,797, A>G on the plus strand (T>C on the coding strand, the complement: MYH6 is on the minus strand). VCF-style: chr14-23402797-A-G. GRCh37 (hg19) VCF-style: chr14-23872006-A-G.
Other names: short protein forms M301T.
Identifiers: ClinVar variation 519032 (VCV000519032.5), dbSNP rs1555334802, ClinGen allele CA389027280.

ClinVar aggregate classification (germline): Uncertain significance (1 of 4 stars; one submission).

Conditions:
Cardiovascular phenotype. Identifiers: MedGen CN230736.

Allele frequency attached by ClinVar (database versions not stated): gnomAD exomes below 0.00001; TOPMed below 0.00001.
gnomAD v4.1: 2 of 1,416,384 alleles (0.00014%); highest among the groups gnomAD compares: Non-Finnish European, 0.00019%; no homozygotes.

Submission:

Ambry Genetics
Classification: Uncertain significance for Cardiovascular phenotype. Last evaluated: 2017-09-13. Review status: criteria provided, single submitter. Criteria: Ambry Variant Classification Scheme 2023. Collection method: clinical testing. Allele origin: germline.
Comment: The p.M301T variant (also known as c.902T>C), located in coding exon 9 of the MYH6 gene, results from a T to C substitution at nucleotide position 902. The methionine at codon 301 is replaced by threonine, an amino acid with similar properties. This amino acid position is highly conserved in available vertebrate species. In addition, the in silico prediction for this alteration is inconclusive. Since supporting evidence is limited at this time, the clinical significance of this alteration remains unclear.